The following is an entry in ClinVar:

NM_002010.3(FGF9):c.*2563G>C

Gene: FGF9 (fibroblast growth factor 9; plus strand). Cytogenetic location: 13q12.11.
Variant type: single nucleotide variant.
Coding change: c.*2563G>C on transcript NM_002010.3 (MANE Select); 2563 bases downstream of the stop codon, G replaced by C.
Molecular consequence: 3 prime UTR variant.
Genome position (GRCh38, 1-based): chr13:21,703,998, G>C. VCF-style: chr13-21703998-G-C. GRCh37 (hg19) VCF-style: chr13-22278137-G-C.
Identifiers: ClinVar variation 311470 (VCV000311470.6), dbSNP rs7317625, ClinGen allele CA10643092.

ClinVar aggregate classification (germline): Benign. Review status: criteria provided, multiple submitters, no conflicts (2 of 4 stars). 2 submissions from 2 submitters: Benign (2). Last evaluated 2018-01-12.

Conditions:
Multiple synostoses syndrome 3 (SYNS3). Identifiers: Orphanet 3237, MedGen C2751826, MONDO:0013064, OMIM 612961.

Allele frequency attached by ClinVar (database versions not stated): 1000 Genomes Project 0.17272; 1000 Genomes Project 30x 0.18098; gnomAD 0.20594 and 0.19775; TOPMed 0.20110.

Submissions (2):

Illumina Laboratory Services, Illumina
Classification: Benign for Multiple synostoses syndrome 3. Last evaluated: 2018-01-12. Review status: criteria provided, single submitter. Criteria: ICSL Variant Classification Criteria 13 December 2019. Collection method: clinical testing. Allele origin: germline.
Comment: This variant was observed in the ICSL laboratory as part of a predisposition screen in an ostensibly healthy population. It had not been previously curated by ICSL or reported in the Human Gene Mutation Database (HGMD: prior to June 1st, 2018), and was therefore a candidate for classification through an automated scoring system. Utilizing variant allele frequency, disease prevalence and penetrance estimates, and inheritance mode, an automated score was calculated to assess if this variant is too frequent to cause the disease. Based on the score and internal cut-off values, a variant classified as benign is not then subjected to further curation. The score for this variant resulted in a classification of benign for this disease.

Breakthrough Genomics
Classification: Benign. Review status: criteria provided, single submitter. Criteria: ACMG Guidelines, 2015. Collection method: not provided. Allele origin: germline. Inheritance: Autosomal dominant inheritance. Affected: yes.